The following is an entry in ClinVar:

NM_001377334.1(PIK3C2B):c.3517-5C>T

Gene: PIK3C2B (phosphatidylinositol-4-phosphate 3-kinase catalytic subunit type 2 beta; minus strand). Cytogenetic location: 1q32.1.
Variant type: single nucleotide variant.
Coding change: c.3517-5C>T on transcript NM_001377334.1 (MANE Select); 5 bases into the intron before coding-DNA position 3517, C replaced by T.
Molecular consequence: intron variant.
Genome position (GRCh38, 1-based): chr1:204,434,613, G>A on the plus strand (C>T on the coding strand, the complement: PIK3C2B is on the minus strand). VCF-style: chr1-204434613-G-A. GRCh37 (hg19) VCF-style: chr1-204403741-G-A.
Other names: c.3433-5C>T (NM_001377335.1); c.3517-5C>T (NM_002646.4).
Identifiers: ClinVar variation 3041956 (VCV003041956.2), dbSNP rs369008003, ClinGen allele CA1347381.

ClinVar aggregate classification (germline): Benign (0 of 4 stars; one submission).

Conditions:
PIK3C2B-related disorder. Also called: PIK3C2B-related condition.

Allele frequency attached by ClinVar (database versions not stated): TOPMed 0.00009; ESP Exome Variant Server 0.00015; gnomAD 0.00028; gnomAD exomes 0.00055; ExAC 0.00137; 1000 Genomes Project 30x 0.00172; 1000 Genomes Project 0.00200.
gnomAD v4.1: 848 of 1,610,530 alleles (0.053%); highest among the groups gnomAD compares: South Asian, 0.74%; 16 homozygotes.

Submission:

PreventionGenetics, part of Exact Sciences
Classification: Benign for PIK3C2B-related condition. Last evaluated: 2019-05-08. Review status: no assertion criteria provided. Collection method: clinical testing. Allele origin: germline.
Comment: This variant is classified as benign based on ACMG/AMP sequence variant interpretation guidelines (Richards et al. 2015 PMID: 25741868, with internal and published modifications).